The following is an entry in ClinVar:

ClinVar aggregate classification (germline): Uncertain significance (1 of 4 stars; one submission).

Allele frequency attached by ClinVar (database versions not stated): gnomAD 0.00001.
gnomAD v4.1: 2 of 1,608,656 alleles (0.00012%); highest among the groups gnomAD compares: African/African-American, 0.0013%; no homozygotes.

Submission:

Labcorp Genetics (formerly Invitae), Labcorp
Classification: Uncertain significance. Last evaluated: 2025-12-28. Review status: criteria provided, single submitter. Criteria: Invitae Variant Classification Sherloc (09022015). Collection method: clinical testing. Allele origin: germline.
Comment: This sequence change replaces serine, which is neutral and polar, with arginine, which is basic and polar, at codon 457 of the MICAL1 protein (p.Ser457Arg). This variant is not present in population databases (gnomAD no frequency). This variant has not been reported in the literature in individuals affected with MICAL1-related conditions. ClinVar contains an entry for this variant (Variation ID: 2019174). An algorithm developed to predict the effect of missense changes on protein structure and function (PolyPhen-2) suggests that this variant is likely to be disruptive. In summary, the available evidence is currently insufficient to determine the role of this variant in disease. Therefore, it has been classified as a Variant of Uncertain Significance.

NM_022765.4(MICAL1):c.1314C>A (p.Ser438Arg)

Gene: MICAL1 (microtubule associated monooxygenase, calponin and LIM domain containing 1; minus strand). Cytogenetic location: 6q21.
Variant type: single nucleotide variant.
Coding change: c.1314C>A on transcript NM_022765.4 (MANE Select); coding-DNA position 1314, C replaced by A.
Protein change: p.Ser438Arg; replaces serine 438 with arginine.
Molecular consequence: missense variant.
Genome position (GRCh38, 1-based): chr6:109,449,777, G>T on the plus strand (C>A on the coding strand, the complement: MICAL1 is on the minus strand). VCF-style: chr6-109449777-G-T. GRCh37 (hg19) VCF-style: chr6-109770980-G-T.
Other names: c.1056C>A, p.Ser352Arg (NM_001159291.2); c.1371C>A, p.Ser457Arg (NM_001286613.2); short protein forms S352R, S438R, S457R.
Identifiers: ClinVar variation 2019174 (VCV002019174.4), dbSNP rs1775452922, ClinGen allele CA365230414.